The following is an entry in ClinVar:

NM_020461.4(TUBGCP6):c.2657G>A (p.Gly886Glu)

Gene: TUBGCP6 (tubulin gamma complex component 6; minus strand). Cytogenetic location: 22q13.33.
Variant type: single nucleotide variant.
Coding change: c.2657G>A on transcript NM_020461.4 (MANE Select); coding-DNA position 2657, G replaced by A.
Protein change: p.Gly886Glu; replaces glycine 886 with glutamic acid.
Molecular consequence: missense variant.
Genome position (GRCh38, 1-based): chr22:50,221,702, C>T on the plus strand (G>A on the coding strand, the complement: TUBGCP6 is on the minus strand). VCF-style: chr22-50221702-C-T. GRCh37 (hg19) VCF-style: chr22-50660131-C-T.
Other names: short protein forms G886E.
Identifiers: ClinVar variation 861535 (VCV000861535.11), dbSNP rs769027529, ClinGen allele CA10308149.

ClinVar aggregate classification (germline): Conflicting classifications of pathogenicity. Review status: criteria provided, conflicting classifications (1 of 4 stars). 5 submissions from 5 submitters: Uncertain significance (3); Likely benign (2). Last evaluated 2026-05-27.

Conditions:
Inborn genetic diseases. Identifiers: MedGen C0950123, MeSH D030342.
Microcephaly and chorioretinopathy 1. Also called: Microcephaly and chorioretinopathy, autosomal recessive, 1. Identifiers: MedGen C3278481, MONDO:0009624, OMIM 251270.

Allele frequency attached by ClinVar (database versions not stated): gnomAD exomes below 0.00001 and 0.00001; ExAC 0.00001; gnomAD 0.00003 and 0.00004; TOPMed 0.00004.
gnomAD v4.1: 41 of 1,516,988 alleles (0.0027%); highest among the groups gnomAD compares: East Asian, 0.011%; no homozygotes.

Submissions (5):

Women's Health and Genetics/Laboratory Corporation of America, LabCorp
Classification: Uncertain significance. Last evaluated: 2026-05-27. Review status: criteria provided, single submitter. Criteria: LabCorp Variant Classification Summary - May 2015. Collection method: clinical testing. Allele origin: germline.
Comment: Variant summary: TUBGCP6 c.2657G>A (p.Gly886Glu) results in a non-conservative amino acid change in the encoded protein sequence. Algorithms developed to predict the effect of missense changes on protein structure and function are either unavailable or do not agree on the potential impact of this missense change. The variant allele was found at a frequency of 1.1e-05 in 175368 control chromosomes. The available data on variant occurrences in the general population are insufficient to allow any conclusion about variant significance. To our knowledge, no occurrence of c.2657G>A in individuals affected with TUBGCP6-related conditions and no experimental evidence demonstrating its impact on protein function have been reported. ClinVar contains an entry for this variant (Variation ID: 861535). Based on the evidence outlined above, the variant was classified as uncertain significance.

Labcorp Genetics (formerly Invitae), Labcorp
Classification: Uncertain significance. Last evaluated: 2025-11-15. Review status: criteria provided, single submitter. Criteria: Invitae Variant Classification Sherloc (09022015). Collection method: clinical testing. Allele origin: germline.
Comment: This sequence change replaces glycine, which is neutral and non-polar, with glutamic acid, which is acidic and polar, at codon 886 of the TUBGCP6 protein (p.Gly886Glu). This variant is present in population databases (rs769027529, gnomAD 0.01%). This variant has not been reported in the literature in individuals affected with TUBGCP6-related conditions. ClinVar contains an entry for this variant (Variation ID: 861535). An algorithm developed to predict the effect of missense changes on protein structure and function outputs the following: PolyPhen-2: "Benign". The glutamic acid amino acid residue is found in multiple mammalian species, which suggests that this missense change does not adversely affect protein function. In summary, the available evidence is currently insufficient to determine the role of this variant in disease. Therefore, it has been classified as a Variant of Uncertain Significance.

Ambry Genetics
Classification: Likely benign for Inborn genetic diseases. Last evaluated: 2025-04-20. Review status: criteria provided, single submitter. Criteria: Ambry Variant Classification Scheme 2023. Collection method: clinical testing. Allele origin: germline.

Blueprint Genetics
Classification: Likely benign. Last evaluated: 2024-11-06. Review status: criteria provided, single submitter. Criteria: ACMG Guidelines, 2015. Collection method: clinical testing. Allele origin: germline.

Victorian Clinical Genetics Services, Murdoch Childrens Research Institute
Classification: Uncertain significance for Microcephaly and chorioretinopathy 1. Last evaluated: 2021-05-06. Review status: criteria provided, single submitter. Criteria: ACMG Guidelines, 2015. Collection method: clinical testing. Allele origin: germline. Inheritance: Autosomal recessive inheritance.
Comment: Based on the classification scheme VCGS_Germline_v1.3.4, this variant is classified as VUS-3C. Following criteria are met: 0102 - Loss of function is a known mechanism of disease in this gene and is associated with Microcephaly and chorioretinopathy 1 (MIM#251270). (I) 0106 - This gene is associated with autosomal recessive disease. (I) 0200 - Variant is predicted to result in a missense amino acid change from glycine to glutamic acid. (I) 0251 - This variant is heterozygous. (I) 0304 - Variant is present in gnomAD (v3) <0.01 for a recessive condition (6 heterozygotes, 0 homozygotes). (SP) 0309 - An alternative amino acid change at the same position has been observed in gnomAD (v2) (2 heterozygotes, 0 homozygotes). (I) 0504 - Same amino acid change has been observed in placental mammals. (SB) 0604 - Variant is not located in an established domain, motif, hotspot or informative constraint region. (I) 0705 - No comparable missense variants have previous evidence for pathogenicity. (I) 0809 - Previous evidence of pathogenicity for this variant is inconclusive. This variant has been reported as VUS in one individual (ClinVar). (I) 0905 - No published segregation evidence has been identified for this variant. (I) 1007 - No published functional evidence has been identified for this variant. (I) 1208 - Inheritance information for this variant is not currently available in this individual. (I) Legend: (SP) - Supporting pathogenic, (I) - Information, (SB) - Supporting benign